The following is an entry in ClinVar:

ClinVar aggregate classification (germline): Conflicting classifications of pathogenicity. Review status: criteria provided, conflicting classifications (1 of 4 stars). 8 submissions from 8 submitters: Uncertain significance (1); Benign (2); Likely benign (4). 1 of the submissions does not count toward it. Last evaluated 2026-01-03.

Conditions:
Becker muscular dystrophy (BMD). Also called: MUSCULAR DYSTROPHY, PSEUDOHYPERTROPHIC PROGRESSIVE, BECKER TYPE; Becker Muscular Dystrophy (BMD). Identifiers: Orphanet 98895, MedGen C0917713, MONDO:0010311, OMIM 300376.
Cardiomyopathy (CMYO). Also called: Cardiomyopathies. Identifiers: Orphanet 167848, MedGen C0878544, MONDO:0004994, HP:0001638. Inheritance: Various modes of inheritance.
Dystrophin deficiency.
Duchenne muscular dystrophy (DMD). Also called: MUSCULAR DYSTROPHY, PSEUDOHYPERTROPHIC PROGRESSIVE, DUCHENNE TYPE; Duchenne Muscular Dystrophy (DMD). Identifiers: Orphanet 98896, MedGen C0013264, MONDO:0010679, OMIM 310200.
Cardiovascular phenotype. Identifiers: MedGen CN230736.

Allele frequency attached by ClinVar (database versions not stated): gnomAD 0.00002 and 0.00004; TOPMed 0.00003; gnomAD exomes 0.00009 and 0.00011; ExAC 0.00019.
gnomAD v4.1: 102 of 1,202,194 alleles (0.0085%); highest among the groups gnomAD compares: Middle Eastern, 0.18%; 1 homozygote.

Submissions (8):

Labcorp Genetics (formerly Invitae), Labcorp
Classification: Benign for Duchenne muscular dystrophy. Last evaluated: 2026-01-03. Review status: criteria provided, single submitter. Criteria: Invitae Variant Classification Sherloc (09022015). Collection method: clinical testing. Allele origin: germline.

CeGaT Center for Human Genetics Tuebingen
Classification: Likely benign. Last evaluated: 2025-11-01. Review status: criteria provided, single submitter. Criteria: CeGaT Center For Human Genetics Tuebingen Variant Classification Criteria Version 2. Collection method: clinical testing. Allele origin: germline. Affected: yes. Observed: 3 variant alleles.
Comment: DMD: BP4, BP7, BS2

Blueprint Genetics
Classification: Likely benign. Last evaluated: 2024-05-20. Review status: criteria provided, single submitter. Criteria: ACMG Guidelines, 2015. Collection method: clinical testing. Allele origin: germline.

Genome-Nilou Lab
Classification: Likely benign for Duchenne muscular dystrophy. Last evaluated: 2021-05-18. Review status: criteria provided, single submitter. Criteria: ACMG Guidelines, 2015. Collection method: clinical testing. Allele origin: germline. Affected: no.

Ambry Genetics
Classification: Benign for Cardiovascular phenotype. Last evaluated: 2019-12-02. Review status: criteria provided, single submitter. Criteria: Ambry Variant Classification Scheme 2023. Collection method: clinical testing. Allele origin: germline.

Eurofins Ntd Llc (ga)
Classification: Uncertain significance. Last evaluated: 2015-05-08. Review status: criteria provided, single submitter. Criteria: EGL Classification Definitions 2015. Collection method: clinical testing. Allele origin: germline. Observed: 1 variant allele, 1 hemizygote.

PreventionGenetics, part of Exact Sciences
Classification: Likely benign. Review status: criteria provided, single submitter. Criteria: ACMG Guidelines, 2015. Collection method: clinical testing. Allele origin: germline.

Natera, Inc.
Classification: Likely benign for Becker muscular dystrophy; Cardiomyopathy; Duchenne muscular dystrophy; Dystrophin deficiency. Last evaluated: 2017-08-09. Review status: no assertion criteria provided. Collection method: clinical testing. Allele origin: germline. Not counted in ClinVar's aggregate classification.

NM_004006.3(DMD):c.8226A>G (p.Gln2742=)

Gene: DMD (dystrophin; minus strand). Cytogenetic location: Xp21.1.
Variant type: single nucleotide variant.
Coding change: c.8226A>G on transcript NM_004006.3 (MANE Select); coding-DNA position 8226, A replaced by G.
Protein change: p.Gln2742=; no amino-acid change (glutamine 2742 retained).
Molecular consequence: synonymous variant.
Genome position (GRCh38, 1-based): chrX:31,507,445, T>C on the plus strand (A>G on the coding strand, the complement: DMD is on the minus strand). VCF-style: chrX-31507445-T-C. GRCh37 (hg19) VCF-style: chrX-31525562-T-C.
Other names: c.8202A>G, p.Gln2734= (NM_000109.4); c.8214A>G, p.Gln2738= (NM_004009.3); c.7857A>G, p.Gln2619= (NM_004010.3); c.4203A>G, p.Gln1401= (NM_004011.4); c.4194A>G, p.Gln1398= (NM_004012.4); c.846A>G, p.Gln282= (NM_004013.3, NM_004020.4, NM_004021.3 and 2 more transcripts); c.39A>G, p.Gln13= (NM_004014.3).
Identifiers: ClinVar variation 197992 (VCV000197992.65), dbSNP rs746514008, ClinGen allele CA246434.
Genomic context (GRCh38, chrX:31,507,445, plus strand): 5'-GATTTTTTGGCTGTTTTCATCCAGGTTGTGATAAACATCTGTGTGAGCTTCAATTTCACC[T>C]TGGAGGTCCTACAGGACAGCAGGAAGAAGAATATGTGCAGAATTACCAAACAAAAGAAAC-3'
Protein context (NP_003997.2, residues 2732-2752): KELMKQWQDL[Gln2742=]GEIEAHTDVY